The following is an entry in ClinVar:

NM_001999.4(FBN2):c.297T>C (p.Pro99=)

Gene: FBN2 (fibrillin 2; minus strand). Cytogenetic location: 5q23.3.
Variant type: single nucleotide variant.
Coding change: c.297T>C on transcript NM_001999.4 (MANE Select); coding-DNA position 297, T replaced by C.
Protein change: p.Pro99=; no amino-acid change (proline 99 retained).
Molecular consequence: synonymous variant.
Genome position (GRCh38, 1-based): chr5:128,536,442, A>G on the plus strand (T>C on the coding strand, the complement: FBN2 is on the minus strand). VCF-style: chr5-128536442-A-G. GRCh37 (hg19) VCF-style: chr5-127872135-A-G.
Identifiers: ClinVar variation 213232 (VCV000213232.81), dbSNP rs79375977, ClinGen allele CA323359.

ClinVar aggregate classification (germline): Benign/Likely benign. Review status: criteria provided, multiple submitters, no conflicts (2 of 4 stars). 8 submissions from 8 submitters: Benign (5); Likely benign (2). 1 of the submissions does not count toward it. Last evaluated 2026-01-07.

Conditions:
FBN2-related disorder. Also called: FBN2-related condition.
Familial thoracic aortic aneurysm and aortic dissection (TAAD). Also called: Thoracic aortic aneurysms and dissections. Identifiers: Orphanet 91387, MedGen C4707243, MONDO:0019625.
Congenital contractural arachnodactyly (CCA). Also called: BEALS SYNDROME; Beals-Hecht syndrome; Arthrogryposis, distal, type 9. Identifiers: Orphanet 115, MedGen C0220668, MONDO:0007363, OMIM 121050.

Allele frequency attached by ClinVar (database versions not stated): gnomAD 0.00024 and 0.00044; TOPMed 0.00053; ExAC 0.00102; 1000 Genomes Project 30x 0.00297; 1000 Genomes Project 0.00300.
gnomAD v4.1: 718 of 1,614,122 alleles (0.044%); highest among the groups gnomAD compares: East Asian, 1.2%; 4 homozygotes.

Submissions (8):

Labcorp Genetics (formerly Invitae), Labcorp
Classification: Benign for Congenital contractural arachnodactyly. Last evaluated: 2026-01-07. Review status: criteria provided, single submitter. Criteria: Invitae Variant Classification Sherloc (09022015). Collection method: clinical testing. Allele origin: germline.

Women's Health and Genetics/Laboratory Corporation of America, LabCorp
Classification: Benign. Last evaluated: 2025-09-30. Review status: criteria provided, single submitter. Criteria: LabCorp Variant Classification Summary - May 2015. Collection method: clinical testing. Allele origin: germline.

Blueprint Genetics
Classification: Likely benign. Last evaluated: 2024-11-11. Review status: criteria provided, single submitter. Criteria: ACMG Guidelines, 2015. Collection method: clinical testing. Allele origin: germline.

CeGaT Center for Human Genetics Tuebingen
Classification: Likely benign. Last evaluated: 2024-07-01. Review status: criteria provided, single submitter. Criteria: CeGaT Center For Human Genetics Tuebingen Variant Classification Criteria Version 2. Collection method: clinical testing. Allele origin: germline. Affected: yes. Observed: 4 variant alleles.
Comment: FBN2: BP4, BP7, BS1

Ambry Genetics
Classification: Benign for Familial thoracic aortic aneurysm and aortic dissection. Last evaluated: 2020-12-08. Review status: criteria provided, single submitter. Criteria: Ambry Variant Classification Scheme 2023. Collection method: clinical testing. Allele origin: germline.

Illumina Laboratory Services, Illumina
Classification: Benign for Congenital contractural arachnodactyly. Last evaluated: 2018-01-12. Review status: criteria provided, single submitter. Criteria: ICSL Variant Classification Criteria 13 December 2019. Collection method: clinical testing. Allele origin: germline.
Comment: This variant was observed in the ICSL laboratory as part of a predisposition screen in an ostensibly healthy population. It had not been previously curated by ICSL or reported in the Human Gene Mutation Database (HGMD: prior to June 1st, 2018), and was therefore a candidate for classification through an automated scoring system. Utilizing variant allele frequency, disease prevalence and penetrance estimates, and inheritance mode, an automated score was calculated to assess if this variant is too frequent to cause the disease. Based on the score and internal cut-off values, a variant classified as benign is not then subjected to further curation. The score for this variant resulted in a classification of benign for this disease.

GeneDx
Classification: Benign. Last evaluated: 2014-07-15. Review status: criteria provided, single submitter. Criteria: GeneDx Variant Classification (06012015). Collection method: clinical testing. Allele origin: germline. Affected: yes.
Comment: This variant is considered likely benign or benign based on one or more of the following criteria: it is a conservative change, it occurs at a poorly conserved position in the protein, it is predicted to be benign by multiple in silico algorithms, and/or has population frequency not consistent with disease.

PreventionGenetics, part of Exact Sciences
Classification: Benign for FBN2-related condition. Last evaluated: 2019-02-22. Review status: no assertion criteria provided. Collection method: clinical testing. Allele origin: germline. Not counted in ClinVar's aggregate classification.
Comment: This variant is classified as benign based on ACMG/AMP sequence variant interpretation guidelines (Richards et al. 2015 PMID: 25741868, with internal and published modifications).